The following is an entry in ClinVar:

NM_001083961.2(WDR62):c.3462+1G>T

Gene: WDR62 (WD repeat domain 62; plus strand). Cytogenetic location: 19q13.12.
Variant type: single nucleotide variant.
Coding change: c.3462+1G>T on transcript NM_001083961.2 (MANE Select); the canonical splice donor site of the intron after coding-DNA position 3462, G replaced by T.
Molecular consequence: splice donor variant.
Genome position (GRCh38, 1-based): chr19:36,103,075, G>T. VCF-style: chr19-36103075-G-T. GRCh37 (hg19) VCF-style: chr19-36593977-G-T.
Other names: c.3447+1G>T (NM_173636.5, NM_001411145.1); c.3213+1G>T (NM_001411146.1); c.3111+1G>T (NM_001411147.1).
Identifiers: ClinVar variation 3775281 (VCV003775281.1).

ClinVar aggregate classification (germline): Likely pathogenic (1 of 4 stars; one submission).

Conditions:
Microcephaly 2, primary, autosomal recessive, with or without cortical malformations. Also called: WDR62 Primary Microcephaly; MICROCEPHALY 2, PRIMARY, AUTOSOMAL RECESSIVE, WITH CORTICAL MALFORMATIONS. Identifiers: Orphanet 2512, MedGen C1858535, MONDO:0011435, OMIM 604317.

Submission:

3billion
Classification: Likely pathogenic for Microcephaly 2, primary, autosomal recessive, with or without cortical malformations. Last evaluated: 2023-11-07. Review status: criteria provided, single submitter. Criteria: ACMG Guidelines, 2015. Collection method: clinical testing. Allele origin: germline. Affected: yes.
Comment: The variant is not observed in the gnomAD v2.1.1 dataset. Predicted Consequence/Location: Canonical splice site: predicted to alter splicing and result in a loss or disruption of normal protein function. Multiple pathogenic loss-of-function variants are reported downstream of the variant. In silico tools predict the variant to alter splicing and produce an abnormal transcript [Splice AI: 0.99 (spliceogenicity >=0.2, non-spliceogenicity <0.1)]. Therefore, this variant is classified as Likely pathogenic according to the recommendation of ACMG/AMP guideline.